The following is an entry in ClinVar:

ClinVar aggregate classification (germline): Benign/Likely benign. Review status: criteria provided, multiple submitters, no conflicts (2 of 4 stars). 3 submissions from 3 submitters: Benign (2); Likely benign (1). Last evaluated 2023-04-01.

Allele frequency attached by ClinVar (database versions not stated): 1000 Genomes Project 0.00140; 1000 Genomes Project 30x 0.00141; TOPMed 0.00421; ExAC 0.00445; gnomAD exomes 0.00477 and 0.00750; gnomAD 0.00492 and 0.00509; ESP Exome Variant Server 0.00679.
gnomAD v4.1: 11,223 of 1,550,320 alleles (0.72%); highest among the groups gnomAD compares: Non-Finnish European, 0.88%; 63 homozygotes.

Submissions (3):

CeGaT Center for Human Genetics Tuebingen
Classification: Likely benign. Last evaluated: 2023-04-01. Review status: criteria provided, single submitter. Criteria: CeGaT Center For Human Genetics Tuebingen Variant Classification Criteria Version 2. Collection method: clinical testing. Allele origin: germline. Affected: yes. Observed: 1 variant allele.
Comment: NBEAL1: BP4, BP7, BS2

Labcorp Genetics (formerly Invitae), Labcorp
Classification: Benign. Last evaluated: 2019-12-31. Review status: criteria provided, single submitter. Criteria: Invitae Variant Classification Sherloc (09022015). Collection method: clinical testing. Allele origin: germline.

Breakthrough Genomics
Classification: Benign. Review status: criteria provided, single submitter. Criteria: ACMG Guidelines, 2015. Collection method: not provided. Allele origin: germline. Inheritance: Unknown mechanism. Affected: yes.

NM_001378026.1(NBEAL1):c.414A>G (p.Glu138=)

Gene: NBEAL1 (neurobeachin like 1; plus strand). Cytogenetic location: 2q33.2.
Variant type: single nucleotide variant.
Coding change: c.414A>G on transcript NM_001378026.1 (MANE Select); coding-DNA position 414, A replaced by G.
Protein change: p.Glu138=; no amino-acid change (glutamic acid 138 retained).
Molecular consequence: synonymous variant.
Genome position (GRCh38, 1-based): chr2:203,057,352, A>G. VCF-style: chr2-203057352-A-G. GRCh37 (hg19) VCF-style: chr2-203922075-A-G.
Other names: c.414A>G, p.Glu138= (NM_001114132.2).
Identifiers: ClinVar variation 714942 (VCV000714942.29), dbSNP rs146121994, ClinGen allele CA2063400.